The following is an entry in ClinVar:

NM_201596.3(CACNB2):c.155T>G (p.Phe52Cys)

Gene: CACNB2 (calcium voltage-gated channel auxiliary subunit beta 2; plus strand). Cytogenetic location: 10p12.33.
Variant type: single nucleotide variant.
Coding change: c.155T>G on transcript NM_201596.3 (MANE Select); coding-DNA position 155, T replaced by G.
Protein change: p.Phe52Cys; replaces phenylalanine 52 with cysteine.
Molecular consequence: missense variant.
Genome position (GRCh38, 1-based): chr10:18,150,917, T>G. VCF-style: chr10-18150917-T-G. GRCh37 (hg19) VCF-style: chr10-18439846-T-G.
Other names: c.71T>G (NM_001167945.1); c.71T>G, p.Phe24Cys (NM_001167945.2, NM_201571.4, NM_201572.4); c.155T>G, p.Phe52Cys (NM_201593.3, NM_201597.3); short protein forms F24C, F52C.
Identifiers: ClinVar variation 2508138 (VCV002508138.3), dbSNP rs148638262, ClinGen allele CA5429428.
Genomic context (GRCh38, chr10:18,150,917, plus strand): 5'-TTTTTTTTTTTTTTTTTTTTTTTTAGTCATATGGAAAAGGAGCCAGAAGGAAAAACAGAT[T>G]TAAAGGATCTGATGGAAGCACGTCATCTGATACTACCTCAAATAGTTTTGTTCGCCAGGT-3'
Protein context (NP_963890.2, residues 42-62): YGKGARRKNR[Phe52Cys]KGSDGSTSSD

ClinVar aggregate classification (germline): Likely benign. Review status: criteria provided, multiple submitters, no conflicts (2 of 4 stars). 2 submissions from 2 submitters: Likely benign (2). Last evaluated 2025-09-10.

Conditions:
Cardiovascular phenotype. Identifiers: MedGen CN230736.
CACNB2-related disorder. Also called: CACNB2-related condition.

Allele frequency attached by ClinVar (database versions not stated): gnomAD exomes 0.00003; gnomAD 0.00005; ExAC 0.00006; 1000 Genomes Project 30x 0.00016; 1000 Genomes Project 0.00020.
gnomAD v4.1: 49 of 1,470,024 alleles (0.0033%); highest among the groups gnomAD compares: Admixed American, 0.052%; no homozygotes.

Submissions (2):

PreventionGenetics, part of Exact Sciences
Classification: Likely benign for CACNB2-related condition. Last evaluated: 2025-09-10. Review status: criteria provided, single submitter. Criteria: ACMG Guidelines, 2015. Collection method: clinical testing. Allele origin: germline.
Comment: This variant is classified as likely benign based on ACMG/AMP sequence variant interpretation guidelines (Richards et al. 2015 PMID: 25741868, with internal and published modifications).

Ambry Genetics
Classification: Likely benign for Cardiovascular phenotype. Last evaluated: 2023-05-09. Review status: criteria provided, single submitter. Criteria: Ambry Variant Classification Scheme 2023. Collection method: clinical testing. Allele origin: germline.